The following is an entry in ClinVar:

ClinVar aggregate classification (germline): Uncertain significance (1 of 4 stars; one submission).

Conditions:
Intellectual developmental disorder, autosomal recessive 7. Also called: Intellectual disability, autosomal recessive 7. Identifiers: Orphanet 88616, MedGen C1970197, MONDO:0012615, OMIM 611093.

Allele frequency attached by ClinVar (database versions not stated): TOPMed 0.00001; ExAC 0.00001; gnomAD 0.00001; gnomAD exomes 0.00002.
gnomAD v4.1: 15 of 1,613,708 alleles (0.00093%); highest among the groups gnomAD compares: East Asian, 0.0022%; no homozygotes.

Submission:

Labcorp Genetics (formerly Invitae), Labcorp
Classification: Uncertain significance for Intellectual developmental disorder, autosomal recessive 7. Last evaluated: 2024-10-26. Review status: criteria provided, single submitter. Criteria: Invitae Variant Classification Sherloc (09022015). Collection method: clinical testing. Allele origin: germline.
Comment: This sequence change replaces arginine, which is basic and polar, with cysteine, which is neutral and slightly polar, at codon 63 of the TUSC3 protein (p.Arg63Cys). This variant is present in population databases (rs751785405, gnomAD 0.01%). This variant has not been reported in the literature in individuals affected with TUSC3-related conditions. ClinVar contains an entry for this variant (Variation ID: 1517661). An algorithm developed to predict the effect of missense changes on protein structure and function (PolyPhen-2) suggests that this variant is likely to be disruptive. In summary, the available evidence is currently insufficient to determine the role of this variant in disease. Therefore, it has been classified as a Variant of Uncertain Significance.

NM_006765.4(TUSC3):c.187C>T (p.Arg63Cys)

Gene: TUSC3 (tumor suppressor candidate 3; plus strand). Cytogenetic location: 8p22.
Variant type: single nucleotide variant.
Coding change: c.187C>T on transcript NM_006765.4 (MANE Select); coding-DNA position 187, C replaced by T.
Protein change: p.Arg63Cys; replaces arginine 63 with cysteine.
Molecular consequence: missense variant.
Genome position (GRCh38, 1-based): chr8:15,623,128, C>T. VCF-style: chr8-15623128-C-T. GRCh37 (hg19) VCF-style: chr8-15480637-C-T.
Other names: c.187C>T, p.Arg63Cys (NM_001356429.2, NM_178234.2); short protein forms R63C.
Identifiers: ClinVar variation 1517661 (VCV001517661.6), dbSNP rs751785405, ClinGen allele CA4640324.